The following is an entry in ClinVar:

ClinVar aggregate classification (germline): Uncertain significance (1 of 4 stars; one submission).

Conditions:
Cardiomyopathy (CMYO). Also called: Cardiomyopathies. Identifiers: Orphanet 167848, MedGen C0878544, MONDO:0004994, HP:0001638. Inheritance: Various modes of inheritance.

Submission:

Color Diagnostics, LLC DBA Color Health
Classification: Uncertain significance for Cardiomyopathy. Last evaluated: 2023-12-05. Review status: criteria provided, single submitter. Criteria: ACMG Guidelines, 2015. Collection method: clinical testing. Allele origin: germline.
Comment: Variant of Uncertain Significance due to insufficient evidence: This missense variant is located in the Ig-like domain C5 of the MYBPC3 protein. Computational prediction tools and conservation analyses are inconclusive regarding the impact of this variant on the protein function. Computational splicing tools suggest that this variant may not impact RNA splicing. To our knowledge, functional assays have not been performed for this variant nor has this variant been reported in individuals affected with cardiovascular disorders in the literature. This variant is rare in the general population and has been identified in 0/277264 chromosomes by the Genome Aggregation Database (gnomAD). Available evidence is insufficient to determine the pathogenicity of this variant conclusively.

NM_000256.3(MYBPC3):c.2005C>A (p.Leu669Met)

Gene: MYBPC3 (myosin binding protein C3; minus strand). Cytogenetic location: 11p11.2.
Variant type: single nucleotide variant.
Coding change: c.2005C>A on transcript NM_000256.3 (MANE Select); coding-DNA position 2005, C replaced by A.
Protein change: p.Leu669Met; replaces leucine 669 with methionine.
Molecular consequence: missense variant.
Genome position (GRCh38, 1-based): chr11:47,339,713, G>T on the plus strand (C>A on the coding strand, the complement: MYBPC3 is on the minus strand). VCF-style: chr11-47339713-G-T. GRCh37 (hg19) VCF-style: chr11-47361264-G-T.
Other names: c.2005C>A, p.Leu669Met (LRG_386t1); short protein forms L669M.
Identifiers: ClinVar variation 629623 (VCV000629623.4), dbSNP rs1565626407, ClinGen allele CA380321650.